The following is an entry in ClinVar:

ClinVar aggregate classification (germline): Uncertain significance (1 of 4 stars; one submission).

Conditions:
Fanconi anemia (FA). Also called: Fanconi's anemia. Identifiers: Orphanet 84, MedGen C0015625, MeSH D005199, MONDO:0019391.

Allele frequency attached by ClinVar (database versions not stated): gnomAD exomes below 0.00001; TOPMed below 0.00001; ExAC 0.00001.
gnomAD v4.1: 4 of 1,609,912 alleles (0.00025%); highest among the groups gnomAD compares: Non-Finnish European, 0.00034%; no homozygotes.

Submission:

Labcorp Genetics (formerly Invitae), Labcorp
Classification: Uncertain significance for Fanconi anemia. Last evaluated: 2024-06-03. Review status: criteria provided, single submitter. Criteria: Invitae Variant Classification Sherloc (09022015). Collection method: clinical testing. Allele origin: germline.
Comment: This sequence change replaces glutamine, which is neutral and polar, with arginine, which is basic and polar, at codon 902 of the FANCD2 protein (p.Gln902Arg). This variant is present in population databases (rs766865689, gnomAD 0.0009%). This variant has not been reported in the literature in individuals affected with FANCD2-related conditions. ClinVar contains an entry for this variant (Variation ID: 967808). Advanced modeling of protein sequence and biophysical properties (such as structural, functional, and spatial information, amino acid conservation, physicochemical variation, residue mobility, and thermodynamic stability) performed at Invitae indicates that this missense variant is not expected to disrupt FANCD2 protein function with a negative predictive value of 80%. In summary, the available evidence is currently insufficient to determine the role of this variant in disease. Therefore, it has been classified as a Variant of Uncertain Significance.

NM_001018115.3(FANCD2):c.2705A>G (p.Gln902Arg)

Genes: FANCD2 (FA complementation group D2; plus strand), LOC107303338 (3p25 FANCD2 Alu-mediated recombination region; plus strand). Cytogenetic location: 3p25.3.
Variant type: single nucleotide variant.
Coding change: c.2705A>G on transcript NM_001018115.3 (MANE Select); coding-DNA position 2705, A replaced by G.
Protein change: p.Gln902Arg; replaces glutamine 902 with arginine.
Molecular consequence: missense variant.
Genome position (GRCh38, 1-based): chr3:10,073,352, A>G. VCF-style: chr3-10073352-A-G. GRCh37 (hg19) VCF-style: chr3-10115036-A-G.
Other names: c.2705A>G, p.Gln902Arg (NM_001319984.2, NM_001374254.1, NM_033084.6); c.2594A>G, p.Gln865Arg (NM_001374253.1); short protein forms Q865R, Q902R.
Identifiers: ClinVar variation 967808 (VCV000967808.9), dbSNP rs766865689, ClinGen allele CA2250152.